The following is an entry in ClinVar:

ClinVar aggregate classification (germline): Uncertain significance. Review status: criteria provided, multiple submitters, no conflicts (2 of 4 stars). 2 submissions from 2 submitters: Uncertain significance (2). Last evaluated 2024-01-16.

Conditions:
Episodic ataxia type 2 (EA2). Also called: ATAXIA, EPISODIC, WITH NYSTAGMUS; ATAXIA, FAMILIAL PAROXYSMAL; CEREBELLAR ATAXIA, PAROXYSMAL, ACETAZOLAMIDE-RESPONSIVE; CEREBELLOPATHY, HEREDITARY PAROXYSMAL; ACETAZOLAMIDE-RESPONSIVE HEREDITARY PAROXYSMAL CEREBELLAR ATAXIA; EPISODIC ATAXIA, NYSTAGMUS-ASSOCIATED. Identifiers: Orphanet 97, MedGen C1720416, MONDO:0007163, OMIM 108500.
Developmental and epileptic encephalopathy, 42 (DEE42A). Also called: Epileptic encephalopathy, early infantile, 42; DEVELOPMENTAL AND EPILEPTIC ENCEPHALOPATHY 42A; EPILEPTIC ENCEPHALOPATHY, EARLY INFANTILE, 42A. Identifiers: MedGen C4310716, MONDO:0014917, OMIM 617106.

Allele frequency attached by ClinVar (database versions not stated): TOPMed below 0.00001.

Submissions (2):

GeneDx
Classification: Uncertain significance. Last evaluated: 2024-01-16. Review status: criteria provided, single submitter. Criteria: GeneDx Variant Classification Process June 2021. Collection method: clinical testing. Allele origin: germline. Affected: yes.
Comment: Not observed at significant frequency in large population cohorts (gnomAD); In silico analysis supports that this missense variant has a deleterious effect on protein structure/function; Has not been previously published as pathogenic or benign to our knowledge

Labcorp Genetics (formerly Invitae), Labcorp
Classification: Uncertain significance for Developmental and epileptic encephalopathy, 42; Episodic ataxia type 2. Last evaluated: 2022-09-27. Review status: criteria provided, single submitter. Criteria: Invitae Variant Classification Sherloc (09022015). Collection method: clinical testing. Allele origin: germline.
Comment: In summary, the available evidence is currently insufficient to determine the role of this variant in disease. Therefore, it has been classified as a Variant of Uncertain Significance. Advanced modeling of protein sequence and biophysical properties (such as structural, functional, and spatial information, amino acid conservation, physicochemical variation, residue mobility, and thermodynamic stability) performed at Invitae indicates that this missense variant is expected to disrupt CACNA1A protein function. This variant has not been reported in the literature in individuals affected with CACNA1A-related conditions. This variant is not present in population databases (gnomAD no frequency). This sequence change replaces valine, which is neutral and non-polar, with alanine, which is neutral and non-polar, at codon 1617 of the CACNA1A protein (p.Val1617Ala).

NM_001127222.2(CACNA1A):c.4847T>C (p.Val1616Ala)

Gene: CACNA1A (calcium voltage-gated channel subunit alpha1 A; minus strand). Cytogenetic location: 19p13.13.
Variant type: single nucleotide variant.
Coding change: c.4847T>C on transcript NM_001127222.2 (MANE Select); coding-DNA position 4847, T replaced by C.
Protein change: p.Val1616Ala; replaces valine 1616 with alanine.
Molecular consequence: missense variant.
Genome position (GRCh38, 1-based): chr19:13,253,010, A>G on the plus strand (T>C on the coding strand, the complement: CACNA1A is on the minus strand). VCF-style: chr19-13253010-A-G. GRCh37 (hg19) VCF-style: chr19-13363824-A-G.
Other names: c.4859T>C, p.Val1620Ala (NM_000068.4, NM_023035.3); c.4850T>C, p.Val1617Ala (NM_001127221.2, NM_001174080.2); short protein forms V1616A, V1617A, V1620A.
Identifiers: ClinVar variation 2047116 (VCV002047116.5), dbSNP rs2056443299, ClinGen allele CA404338096.